The following is an entry in ClinVar:

NM_004795.4(KL):c.1966G>A (p.Ala656Thr)

Gene: KL (klotho; plus strand). Cytogenetic location: 13q13.1.
Variant type: single nucleotide variant.
Coding change: c.1966G>A on transcript NM_004795.4 (MANE Select); coding-DNA position 1966, G replaced by A.
Protein change: p.Ala656Thr; replaces alanine 656 with threonine.
Molecular consequence: missense variant.
Genome position (GRCh38, 1-based): chr13:33,061,045, G>A. VCF-style: chr13-33061045-G-A. GRCh37 (hg19) VCF-style: chr13-33635182-G-A.
Other names: short protein forms A656T.
Identifiers: ClinVar variation 2514016 (VCV002514016.4), dbSNP rs747178287, ClinGen allele CA6944216.

ClinVar aggregate classification (germline): Uncertain significance. Review status: criteria provided, multiple submitters, no conflicts (2 of 4 stars). 2 submissions from 2 submitters: Uncertain significance (2). Last evaluated 2026-01-21.

Allele frequency attached by ClinVar (database versions not stated): TOPMed 0.00004; ExAC 0.00007; gnomAD 0.00003.
gnomAD v4.1: 76 of 1,611,734 alleles (0.0047%); highest among the groups gnomAD compares: Admixed American, 0.028%; no homozygotes.

Submissions (2):

Labcorp Genetics (formerly Invitae), Labcorp
Classification: Uncertain significance. Last evaluated: 2026-01-21. Review status: criteria provided, single submitter. Criteria: Invitae Variant Classification Sherloc (09022015). Collection method: clinical testing. Allele origin: germline.
Comment: This sequence change replaces alanine, which is neutral and non-polar, with threonine, which is neutral and polar, at codon 656 of the KL protein (p.Ala656Thr). This variant is present in population databases (rs747178287, gnomAD 0.04%). This variant has not been reported in the literature in individuals affected with KL-related conditions. ClinVar contains an entry for this variant (Variation ID: 2514016). Invitae Evidence Modeling of protein sequence and biophysical properties (such as structural, functional, and spatial information, amino acid conservation, physicochemical variation, residue mobility, and thermodynamic stability) indicates that this missense variant is not expected to disrupt KL protein function with a negative predictive value of 80%. In summary, the available evidence is currently insufficient to determine the role of this variant in disease. Therefore, it has been classified as a Variant of Uncertain Significance.

Ambry Genetics
Classification: Uncertain significance. Last evaluated: 2023-04-03. Review status: criteria provided, single submitter. Criteria: Ambry Variant Classification Scheme 2023. Collection method: clinical testing. Allele origin: germline.